The following is an entry in ClinVar:

ClinVar aggregate classification (germline): Conflicting classifications of pathogenicity. Review status: criteria provided, conflicting classifications (1 of 4 stars). 5 submissions from 5 submitters: Uncertain significance (2); Likely benign (1). 2 of the submissions do not count toward it. Last evaluated 2026-04-14.

Conditions:
Familial dysautonomia. Also called: FD; HSAN III. Identifiers: Orphanet 1764, MedGen C0013364, MONDO:0009131, OMIM 223900. Disease mechanism: loss of function.
ELP1-related disorder. Also called: ELP1-related condition.

Allele frequency attached by ClinVar (database versions not stated): gnomAD exomes 0.00002 and 0.00006; ESP Exome Variant Server 0.00015; 1000 Genomes Project 30x 0.00016; 1000 Genomes Project 0.00020; gnomAD 0.00025; TOPMed 0.00025.
gnomAD v4.1: 66 of 1,604,656 alleles (0.0041%); highest among the groups gnomAD compares: African/African-American, 0.072%; no homozygotes.

Submissions (6):

PreventionGenetics, part of Exact Sciences
Classification: Uncertain significance for ELP1-related condition. Last evaluated: 2026-04-14. Review status: criteria provided, single submitter. Criteria: ACMG Guidelines, 2015. Collection method: clinical testing. Allele origin: germline.
Comment: The ELP1 c.3701-6C>G variant is predicted to interfere with splicing. This variant is predicted to alter splicing based on available splicing prediction programs (SpliceAI, Jaganathan et al. 2019. PubMed ID: 30661751). However, the use of computer prediction programs is not equivalent to functional evidence. To our knowledge, this variant has not been reported in the literature. This variant is reported in 0.068% of alleles in individuals of African descent in gnomAD. Although we suspect that this variant may be benign, at this time, the clinical significance of this variant is uncertain due to the absence of conclusive functional and genetic evidence.

Labcorp Genetics (formerly Invitae), Labcorp
Classification: Likely benign. Last evaluated: 2026-02-01. Review status: criteria provided, single submitter. Criteria: Invitae Variant Classification Sherloc (09022015). Collection method: clinical testing. Allele origin: germline.

Ambry Genetics
Classification: Uncertain significance. Last evaluated: 2023-12-18. Review status: criteria provided, single submitter. Criteria: Ambry Variant Classification Scheme 2023. Collection method: clinical testing. Allele origin: germline.
Comment: The c.3701-6C>G intronic alteration consists of a C to G substitution 6 nucleotides before coding exon 34 in the IKBKAP gene. Based on insufficient or conflicting evidence, the clinical significance of this alteration remains unclear.

Natera, Inc.
Classification: Likely benign for Familial dysautonomia. Last evaluated: 2020-09-16. Review status: no assertion criteria provided. Collection method: clinical testing. Allele origin: germline. Not counted in ClinVar's aggregate classification.

Counsyl
Classification: Uncertain significance for Familial dysautonomia. Last evaluated: 2016-12-27. Review status: no assertion criteria provided. Collection method: clinical testing. Allele origin: unknown. Not counted in ClinVar's aggregate classification.

Dr. Peter K. Rogan Lab, Western University
No classification provided (evidence only). Condition: Cervical cancer. Review status: no classification provided. Collection method: in vitro. Allele origin: not applicable. Functional consequence: retained intron. Not counted in ClinVar's aggregate classification.

NM_003640.5(ELP1):c.3701-6C>G

Gene: ELP1 (elongator acetyltransferase complex subunit 1; minus strand). Cytogenetic location: 9q31.3.
Variant type: single nucleotide variant.
Coding change: c.3701-6C>G on transcript NM_003640.5 (MANE Select); 6 bases into the intron before coding-DNA position 3701, C replaced by G.
Molecular consequence: intron variant.
Genome position (GRCh38, 1-based): chr9:108,878,155, G>C on the plus strand (C>G on the coding strand, the complement: ELP1 is on the minus strand). VCF-style: chr9-108878155-G-C. GRCh37 (hg19) VCF-style: chr9-111640435-G-C.
Other names: c.3701-6C>G (LRG_251t1, NM_003640.4); c.3359-6C>G (NM_001318360.2); c.2654-6C>G (NM_001330749.2).
Identifiers: ClinVar variation 550282 (VCV000550282.17), dbSNP rs148535504, ClinGen allele CA5174204.